The following is an entry in ClinVar:

NM_015271.5(TRIM2):c.928G>A (p.Glu310Lys)

Gene: TRIM2 (tripartite motif containing 2; plus strand). Cytogenetic location: 4q31.3.
Variant type: single nucleotide variant.
Coding change: c.928G>A on transcript NM_015271.5 (MANE Select); coding-DNA position 928, G replaced by A.
Protein change: p.Glu310Lys; replaces glutamic acid 310 with lysine.
Molecular consequence: missense variant.
Genome position (GRCh38, 1-based): chr4:153,295,454, G>A. VCF-style: chr4-153295454-G-A. GRCh37 (hg19) VCF-style: chr4-154216606-G-A.
Other names: c.847G>A, p.Glu283Lys (NM_001130067.2, NM_001351056.2, NM_001375512.1 and 5 more transcripts); c.901G>A, p.Glu301Lys (NM_001351054.2); c.898G>A, p.Glu300Lys (NM_001351055.2); c.472G>A, p.Glu158Lys (NM_001351057.2); c.1021G>A, p.Glu341Lys (NM_001375488.1); c.1018G>A, p.Glu340Lys (NM_001375489.1); c.871G>A, p.Glu291Lys (NM_001375490.1); c.868G>A, p.Glu290Lys (NM_001375491.1); and 3 more; short protein forms E290K, E198K, E283K, E291K, E300K, E341K, E158K, E197K.
Identifiers: ClinVar variation 959606 (VCV000959606.9), dbSNP rs1214293124, ClinGen allele CA358472586.

ClinVar aggregate classification (germline): Uncertain significance (1 of 4 stars; one submission).

Conditions:
Charcot-Marie-Tooth disease type 2R. Also called: CHARCOT-MARIE-TOOTH NEUROPATHY, TYPE 2R; CHARCOT-MARIE-TOOTH DISEASE, AXONAL, AUTOSOMAL RECESSIVE, TYPE 2R; Charcot-Marie-Tooth disease, axonal, type 2R. Identifiers: Orphanet 397968, MedGen C3809655, MONDO:0014208, OMIM 615490.

Allele frequency attached by ClinVar (database versions not stated): gnomAD exomes below 0.00001; gnomAD 0.00001; TOPMed 0.00001.

Submission:

Labcorp Genetics (formerly Invitae), Labcorp
Classification: Uncertain significance for Charcot-Marie-Tooth disease type 2R. Last evaluated: 2019-11-15. Review status: criteria provided, single submitter. Criteria: Invitae Variant Classification Sherloc (09022015). Collection method: clinical testing. Allele origin: germline.
Comment: In summary, the available evidence is currently insufficient to determine the role of this variant in disease. Therefore, it has been classified as a Variant of Uncertain Significance. Algorithms developed to predict the effect of missense changes on protein structure and function (SIFT, PolyPhen-2, Align-GVGD) all suggest that this variant is likely to be tolerated, but these predictions have not been confirmed by published functional studies and their clinical significance is uncertain. This variant has not been reported in the literature in individuals with TRIM2-related conditions. This variant is not present in population databases (ExAC no frequency). This sequence change replaces glutamic acid with lysine at codon 283 of the TRIM2 protein (p.Glu283Lys). The glutamic acid residue is highly conserved and there is a small physicochemical difference between glutamic acid and lysine.